The following is an entry in ClinVar:

ClinVar aggregate classification (germline): not provided (0 of 4 stars; one submission).

Conditions:
Familial long QT syndrome (RWS). Also called: Congenital long QT syndrome; VENTRICULAR FIBRILLATION WITH PROLONGED QT INTERVAL; Romano-Ward syndrome. Identifiers: Orphanet 768, MedGen C1141890, MONDO:0019171.

Allele frequency attached by ClinVar (database versions not stated): gnomAD exomes below 0.00001.
gnomAD v4.1: 1 of 1,580,518 alleles (0.000063%); highest among the groups gnomAD compares: Middle Eastern, 0.017%; no homozygotes.

Submissions (2):

Cardiovascular Biomedical Research Unit, Royal Brompton & Harefield NHS Foundation Trust
No classification provided. Condition: Familial long QT syndrome. Review status: no classification provided. Collection method: literature only. Allele origin: germline.
Comment: This variant has been reported as associated with Long QT syndrome in the following publications (PMID:16155735). This is a literature report, and does not necessarily reflect the clinical interpretation of the Imperial College / Royal Brompton Cardiovascular Genetics laboratory.

Roden Lab, Vanderbilt University Medical Center
No classification provided (evidence only). Condition: Long QT syndrome 5. Review status: no classification provided. Collection method: in vitro. Allele origin: not applicable. Functional consequence: Effect on ion channel function. Not counted in ClinVar's aggregate classification.
ClinVar note: "not provided" was previously submitted as the classification for the variant. However, the classification appeared to be based only on an observation of functional data so it was converted to no classification on 2025-07-30.

Literature cited by the submitters: PubMed 16155735 (cited by Cardiovascular Biomedical Research Unit, Royal Brompton & Harefield NHS Foundation Trust); PubMed 22581653 (cited by Cardiovascular Biomedical Research Unit, Royal Brompton & Harefield NHS Foundation Trust).

NM_000219.6(KCNE1):c.210G>C (p.Lys70Asn)

Gene: KCNE1 (potassium voltage-gated channel subfamily E regulatory subunit 1; minus strand). Cytogenetic location: 21q22.12.
Variant type: single nucleotide variant.
Coding change: c.210G>C on transcript NM_000219.6 (MANE Select); coding-DNA position 210, G replaced by C.
Protein change: p.Lys70Asn; replaces lysine 70 with asparagine.
Molecular consequence: missense variant.
Genome position (GRCh38, 1-based): chr21:34,449,425, C>G on the plus strand (G>C on the coding strand, the complement: KCNE1 is on the minus strand). VCF-style: chr21-34449425-C-G. GRCh37 (hg19) VCF-style: chr21-35821723-C-G.
Other names: c.210G>C, p.Lys70Asn (NM_001127668.4, NM_001127669.4, NM_001127670.4 and 4 more transcripts); c.210G>C (LRG_290t1); short protein forms K70N.
Identifiers: ClinVar variation 132665 (VCV000132665.3), dbSNP rs199473356, ClinGen allele CA331945.